The following is an entry in ClinVar:

NM_014780.5(CUL7):c.1392G>A (p.Trp464Ter)

Gene: CUL7 (cullin 7; minus strand). Cytogenetic location: 6p21.1.
Variant type: single nucleotide variant.
Coding change: c.1392G>A on transcript NM_014780.5 (MANE Select); coding-DNA position 1392, G replaced by A.
Protein change: p.Trp464Ter; replaces tryptophan 464 with a stop codon.
Molecular consequence: nonsense.
Genome position (GRCh38, 1-based): chr6:43,050,140, C>T on the plus strand (G>A on the coding strand, the complement: CUL7 is on the minus strand). VCF-style: chr6-43050140-C-T. GRCh37 (hg19) VCF-style: chr6-43017878-C-T.
Other names: c.1488G>A, p.Trp496Ter (NM_001168370.2, NM_001374872.1); c.1392G>A, p.Trp464Ter (NM_001374873.1, NM_001374874.1); short protein forms W464*, W496*.
Identifiers: ClinVar variation 1224483 (VCV001224483.3), dbSNP rs1764272092, ClinGen allele CA364223736.
Genomic context (GRCh38, chr6:43,050,140, plus strand): 5'-CTCAGTGTCCTCATCCTCAGGCAGCACATAAGGCACAGCATAGAGTTCTGTCATGGGCCT[C>T]CAGCGCCAGGCAGGCAGGGCTGTGAAAATGGGCCAAGGGGCACAAGGATGTCACTAGCAA-3'

ClinVar aggregate classification (germline): Pathogenic/Likely pathogenic. Review status: criteria provided, multiple submitters, no conflicts (2 of 4 stars). 2 submissions from 2 submitters: Pathogenic (1); Likely pathogenic (1). Last evaluated 2025-09-24.

Conditions:
CUL7-related disorder. Also called: CUL7-related condition.

Allele frequency attached by ClinVar (database versions not stated): TOPMed below 0.00001; gnomAD exomes 0.00001.

Submissions (2):

Labcorp Genetics (formerly Invitae), Labcorp
Classification: Pathogenic. Last evaluated: 2025-09-24. Review status: criteria provided, single submitter. Criteria: Invitae Variant Classification Sherloc (09022015). Collection method: clinical testing. Allele origin: germline.
Comment: This sequence change creates a premature translational stop signal (p.Trp464*) in the CUL7 gene. It is expected to result in an absent or disrupted protein product. Loss-of-function variants in CUL7 are known to be pathogenic (PMID: 16142236, 17675530, 19225462). This variant is not present in population databases (gnomAD no frequency). This variant has not been reported in the literature in individuals affected with CUL7-related conditions. ClinVar contains an entry for this variant (Variation ID: 1224483). For these reasons, this variant has been classified as Pathogenic.

Blueprint Genetics
Classification: Likely pathogenic for CUL7-related disorders. Last evaluated: 2019-05-03. Review status: criteria provided, single submitter. Criteria: ACMG Guidelines, 2015. Collection method: clinical testing. Allele origin: germline. Affected: yes. Observed: 1 variant allele.

Literature cited by the submitters: PubMed 16142236 (cited by Labcorp Genetics (formerly Invitae), Labcorp); PubMed 17675530 (cited by Labcorp Genetics (formerly Invitae), Labcorp); PubMed 19225462 (cited by Labcorp Genetics (formerly Invitae), Labcorp).